The following is an entry in ClinVar:

NM_001415.4(EIF2S3):c.670A>G (p.Ile224Val)

Gene: EIF2S3 (eukaryotic translation initiation factor 2 subunit gamma; plus strand). Cytogenetic location: Xp22.11.
Variant type: single nucleotide variant.
Coding change: c.670A>G on transcript NM_001415.4 (MANE Select); coding-DNA position 670, A replaced by G.
Protein change: p.Ile224Val; replaces isoleucine 224 with valine.
Molecular consequence: missense variant.
Genome position (GRCh38, 1-based): chrX:24,064,233, A>G. VCF-style: chrX-24064233-A-G. GRCh37 (hg19) VCF-style: chrX-24082350-A-G.
Other names: short protein forms I224V.
Identifiers: ClinVar variation 1254423 (VCV001254423.3), dbSNP rs1177380036, ClinGen allele CA412595476.
Genomic context (GRCh38, chrX:24,064,233, plus strand): 5'-TTTGATCTTTCTAAATTTTGTCATATAGGTACAGTAGCAGAGGGAGCTCCCATTATTCCA[A>G]TTTCAGCTCAGCTGAAATACAATATTGAAGTTGTTTGTGAGTACATAGTAAAGAAAATTC-3'
Protein context (NP_001406.1, residues 214-234): TVAEGAPIIP[Ile224Val]SAQLKYNIEV

ClinVar aggregate classification (germline): Uncertain significance (1 of 4 stars; one submission).

Submission:

GeneDx
Classification: Uncertain significance. Last evaluated: 2022-11-28. Review status: criteria provided, single submitter. Criteria: GeneDx Variant Classification Process June 2021. Collection method: clinical testing. Allele origin: germline. Affected: yes.
Comment: Not observed at significant frequency in large population cohorts (gnomAD); In silico analysis supports that this missense variant does not alter protein structure/function; Has not been previously published as pathogenic or benign to our knowledge; This variant is associated with the following publications: (PMID: 27535533)